The following is an entry in ClinVar:

NM_001204.7(BMPR2):c.2246A>C (p.Gln749Pro)

Gene: BMPR2 (bone morphogenetic protein receptor type 2; plus strand). Cytogenetic location: 2q33.2.
Variant type: single nucleotide variant.
Coding change: c.2246A>C on transcript NM_001204.7 (MANE Select); coding-DNA position 2246, A replaced by C.
Protein change: p.Gln749Pro; replaces glutamine 749 with proline.
Molecular consequence: missense variant.
Genome position (GRCh38, 1-based): chr2:202,555,911, A>C. VCF-style: chr2-202555911-A-C. GRCh37 (hg19) VCF-style: chr2-203420634-A-C.
Other names: short protein forms Q749P.
Identifiers: ClinVar variation 5033055 (VCV005033055.1).

ClinVar aggregate classification (germline): Uncertain significance (1 of 4 stars; one submission).

Conditions:
Inborn genetic diseases. Identifiers: MedGen C0950123, MeSH D030342.

Submission:

Ambry Genetics
Classification: Uncertain significance for Inborn genetic diseases. Last evaluated: 2026-06-18. Review status: criteria provided, single submitter. Criteria: Ambry Variant Classification Scheme 2023. Collection method: clinical testing. Allele origin: germline.
Comment: The p.Q749P variant (also known as c.2246A>C), located in coding exon 12 of the BMPR2 gene, results from an A to C substitution at nucleotide position 2246. The glutamine at codon 749 is replaced by proline, an amino acid with similar properties. This amino acid position is conserved. In addition, this alteration is predicted to be deleterious by in silico analysis. Based on the available evidence, the clinical significance of this variant remains unclear.